The following is an entry in ClinVar:

NM_021224.6(ZNF462):c.295G>A (p.Ala99Thr)

Gene: ZNF462 (zinc finger protein 462; plus strand). Cytogenetic location: 9q31.2.
Variant type: single nucleotide variant.
Coding change: c.295G>A on transcript NM_021224.6 (MANE Select); coding-DNA position 295, G replaced by A.
Protein change: p.Ala99Thr; replaces alanine 99 with threonine.
Molecular consequence: missense variant.
Genome position (GRCh38, 1-based): chr9:106,924,207, G>A. VCF-style: chr9-106924207-G-A. GRCh37 (hg19) VCF-style: chr9-109686488-G-A.
Other names: c.295G>A, p.Ala99Thr (NM_001347997.2); short protein forms A99T.
Identifiers: ClinVar variation 3821040 (VCV003821040.9).
Genomic context (GRCh38, chr9:106,924,207, plus strand): 5'-TCATTGGGGACCGGAGGTTACTATGGCCACAGTCCAGGATATTATGGTCAGCATATTGCC[G>A]CTAATCCCAAACCAACAAACAAGTTTTTTCAATGCAAGTTCTGTGTACGCTACTTCAGGT-3'
Protein context (NP_067047.4, residues 89-109): SPGYYGQHIA[Ala99Thr]NPKPTNKFFQ

ClinVar aggregate classification (germline): Conflicting classifications of pathogenicity. Review status: criteria provided, conflicting classifications (1 of 4 stars). 2 submissions from 2 submitters: Uncertain significance (1); Likely benign (1). Last evaluated 2025-06-01.

Conditions:
Inborn genetic diseases. Identifiers: MedGen C0950123, MeSH D030342.

gnomAD v4.1: 112 of 1,614,066 alleles (0.0069%); highest among the groups gnomAD compares: African/African-American, 0.011%; no homozygotes.

Submissions (2):

CeGaT Center for Human Genetics Tuebingen
Classification: Likely benign. Last evaluated: 2025-06-01. Review status: criteria provided, single submitter. Criteria: CeGaT Center For Human Genetics Tuebingen Variant Classification Criteria Version 2. Collection method: clinical testing. Allele origin: germline. Affected: yes. Observed: 1 variant allele.
Comment: ZNF462: BP4

Ambry Genetics
Classification: Uncertain significance for Inborn genetic diseases. Last evaluated: 2024-12-23. Review status: criteria provided, single submitter. Criteria: Ambry Variant Classification Scheme 2023. Collection method: clinical testing. Allele origin: germline.